The following is an entry in ClinVar:

ClinVar aggregate classification (germline): Benign/Likely benign. Review status: criteria provided, multiple submitters, no conflicts (2 of 4 stars). 3 submissions from 3 submitters: Benign (1); Likely benign (2). Last evaluated 2026-02-01.

Conditions:
Autosomal recessive limb-girdle muscular dystrophy type 2J (LGMDR10). Also called: MUSCULAR DYSTROPHY, LIMB-GIRDLE, AUTOSOMAL RECESSIVE 10; Limb-girdle muscular dystrophy, type 2J. Identifiers: Orphanet 140922, MedGen C1837342, MONDO:0012127, OMIM 608807.
Dilated cardiomyopathy 1G (CMD1G). Identifiers: Orphanet 154, MedGen C1858763, MONDO:0011400, OMIM 604145.

Allele frequency attached by ClinVar (database versions not stated): TOPMed 0.00001; 1000 Genomes Project 30x 0.00172; 1000 Genomes Project 0.00180.
gnomAD v4.1: 699 of 1,613,248 alleles (0.043%); highest among the groups gnomAD compares: South Asian, 0.73%; 11 homozygotes.

Submissions (3):

Labcorp Genetics (formerly Invitae), Labcorp
Classification: Benign for Dilated cardiomyopathy 1G; Autosomal recessive limb-girdle muscular dystrophy type 2J. Last evaluated: 2026-02-01. Review status: criteria provided, single submitter. Criteria: Invitae Variant Classification Sherloc (09022015). Collection method: clinical testing. Allele origin: germline.

Blueprint Genetics
Classification: Likely benign. Last evaluated: 2024-10-18. Review status: criteria provided, single submitter. Criteria: ACMG Guidelines, 2015. Collection method: clinical testing. Allele origin: germline.

CeGaT Center for Human Genetics Tuebingen
Classification: Likely benign. Last evaluated: 2024-10-01. Review status: criteria provided, single submitter. Criteria: CeGaT Center For Human Genetics Tuebingen Variant Classification Criteria Version 2. Collection method: clinical testing. Allele origin: germline. Affected: yes. Observed: 2 variant alleles.
Comment: TTN: BP4, BP7

NM_001267550.2(TTN):c.39006G>T (p.Ser13002=)

Gene: TTN (titin; minus strand). Cytogenetic location: 2q31.2.
Variant type: single nucleotide variant.
Coding change: c.39006G>T on transcript NM_001267550.2 (MANE Select); coding-DNA position 39006, G replaced by T.
Protein change: p.Ser13002=; no amino-acid change (serine 13002 retained).
Molecular consequence: synonymous variant. On other transcripts: intron variant (5).
Genome position (GRCh38, 1-based): chr2:178,652,690, C>A on the plus strand (G>T on the coding strand, the complement: TTN is on the minus strand). VCF-style: chr2-178652690-C-A. GRCh37 (hg19) VCF-style: chr2-179517417-C-A.
Other names: c.13283-10373G>T (NM_003319.4); c.13859-10373G>T (NM_133437.4); c.13658-10373G>T (NM_133432.3); c.31742-149G>T (NM_133378.4); c.34523-149G>T (NM_001256850.1).
Identifiers: ClinVar variation 413135 (VCV000413135.37), dbSNP rs548745743, ClinGen allele CA1996916.